The following is an entry in ClinVar:

NM_024642.5(GALNT12):c.1706C>T (p.Ser569Leu)

Gene: GALNT12 (polypeptide N-acetylgalactosaminyltransferase 12; plus strand). Cytogenetic location: 9q22.33.
Variant type: single nucleotide variant.
Coding change: c.1706C>T on transcript NM_024642.5 (MANE Select); coding-DNA position 1706, C replaced by T.
Protein change: p.Ser569Leu; replaces serine 569 with leucine.
Molecular consequence: missense variant.
Genome position (GRCh38, 1-based): chr9:98,849,052, C>T. VCF-style: chr9-98849052-C-T. GRCh37 (hg19) VCF-style: chr9-101611334-C-T.
Other names: short protein forms S569L.
Identifiers: ClinVar variation 410572 (VCV000410572.16), dbSNP rs199958039, ClinGen allele CA5154350.

ClinVar aggregate classification (germline): Uncertain significance. Review status: criteria provided, multiple submitters, no conflicts (2 of 4 stars). 4 submissions from 4 submitters: Uncertain significance (4). Last evaluated 2025-06-19.

Conditions:
Colorectal cancer, susceptibility to, 1. Also called: COLORECTAL ADENOMA AND CANCER, SUSCEPTIBILITY TO; COLORECTAL CANCER, SUSCEPTIBILITY TO, ON CHROMOSOME 9. Identifiers: MedGen C1837315, MONDO:0012132, OMIM 608812.

Allele frequency attached by ClinVar (database versions not stated): gnomAD exomes below 0.00001 and 0.00002; gnomAD 0.00002; ExAC 0.00002; TOPMed 0.00001.

Submissions (4):

Ambry Genetics
Classification: Uncertain significance. Last evaluated: 2025-06-19. Review status: criteria provided, single submitter. Criteria: Ambry Variant Classification Scheme 2023. Collection method: clinical testing. Allele origin: germline.
Comment: The p.S569L variant (also known as c.1706C>T), located in coding exon 10 of the GALNT12 gene, results from a C to T substitution at nucleotide position 1706. The serine at codon 569 is replaced by leucine, an amino acid with dissimilar properties. This amino acid position is well conserved in available vertebrate species. In addition, this alteration is predicted to be tolerated by in silico analysis. Since supporting evidence is limited at this time, the clinical significance of this alteration remains unclear.

Baylor Genetics
Classification: Uncertain significance for Colorectal cancer, susceptibility to, 1. Last evaluated: 2024-01-16. Review status: criteria provided, single submitter. Criteria: ACMG Guidelines, 2015. Collection method: clinical testing. Allele origin: unknown.

Quest Diagnostics Nichols Institute San Juan Capistrano
Classification: Uncertain significance. Last evaluated: 2021-06-10. Review status: criteria provided, single submitter. Criteria: Quest Diagnostics criteria. Collection method: clinical testing. Allele origin: unknown.

Labcorp Genetics (formerly Invitae), Labcorp
Classification: Uncertain significance. Last evaluated: 2021-02-19. Review status: criteria provided, single submitter. Criteria: Invitae Variant Classification Sherloc (09022015). Collection method: clinical testing. Allele origin: germline.
Comment: In summary, the available evidence is currently insufficient to determine the role of this variant in disease. Therefore, it has been classified as a Variant of Uncertain Significance. Algorithms developed to predict the effect of missense changes on protein structure and function output the following: SIFT: "Tolerated"; PolyPhen-2: "Benign"; Align-GVGD: "Class C0". The leucine amino acid residue is found in multiple mammalian species, suggesting that this missense change does not adversely affect protein function. These predictions have not been confirmed by published functional studies and their clinical significance is uncertain. This variant has not been reported in the literature in individuals with GALNT12-related disease. ClinVar contains an entry for this variant (Variation ID: 410572). The frequency data for this variant in the population databases is considered unreliable, as metrics indicate poor data quality at this position in the ExAC database. This sequence change replaces serine with leucine at codon 569 of the GALNT12 protein (p.Ser569Leu). The serine residue is moderately conserved and there is a large physicochemical difference between serine and leucine.